The following is an entry in ClinVar:

ClinVar aggregate classification (germline): Benign (0 of 4 stars; one submission).

Conditions:
PPRC1-related disorder. Also called: PPRC1-related condition.

Allele frequency attached by ClinVar (database versions not stated): 1000 Genomes Project 0.00919; 1000 Genomes Project 30x 0.00921; gnomAD 0.01512; TOPMed 0.01552; ESP Exome Variant Server 0.01561; ExAC 0.01589; gnomAD exomes 0.02094.

Submission:

PreventionGenetics, part of Exact Sciences
Classification: Benign for PPRC1-related condition. Last evaluated: 2019-07-23. Review status: no assertion criteria provided. Collection method: clinical testing. Allele origin: germline.
Comment: This variant is classified as benign based on ACMG/AMP sequence variant interpretation guidelines (Richards et al. 2015 PMID: 25741868, with internal and published modifications).

NM_015062.5(PPRC1):c.3863G>A (p.Arg1288Gln)

Gene: PPRC1 (PPARG related coactivator 1; plus strand). Cytogenetic location: 10q24.32.
Variant type: single nucleotide variant.
Coding change: c.3863G>A on transcript NM_015062.5 (MANE Select); coding-DNA position 3863, G replaced by A.
Protein change: p.Arg1288Gln; replaces arginine 1288 with glutamine.
Molecular consequence: missense variant. On other transcripts: intron variant (1).
Genome position (GRCh38, 1-based): chr10:102,146,855, G>A. VCF-style: chr10-102146855-G-A. GRCh37 (hg19) VCF-style: chr10-103906612-G-A.
Other names: c.3503G>A, p.Arg1168Gln (NM_001288728.2); c.3609-1517G>A (NM_001288727.2); short protein forms R1168Q, R1288Q.
Identifiers: ClinVar variation 3056568 (VCV003056568.2), dbSNP rs118161359, ClinGen allele CA5661389.
Genomic context (GRCh38, chr10:102,146,855, plus strand): 5'-TTACGGAGGCCAAACATCCAGCTGCAGTTCGCCTCCAAGAAGGGGTCCATGGCCCTAGTC[G>A]AGTCCATGTGGGCTCTGGGGACCATGACTATTGTGTCCGGAGCAGGACCCCCCCAAAAAA-3'
Protein context (NP_055877.3, residues 1278-1298): RLQEGVHGPS[Arg1288Gln]VHVGSGDHDY